The following is an entry in ClinVar:

NM_013276.4(SHPK):c.902_903insTACTGGAGTAGTA (p.Ala302fs)

Gene: SHPK (sedoheptulokinase; minus strand). Cytogenetic location: 17p13.2.
Variant type: Insertion.
Coding change: c.902_903insTACTGGAGTAGTA on transcript NM_013276.4 (MANE Select); coding-DNA positions 902 to 903, TACTGGAGTAGTA inserted.
Protein change: p.Ala302fs; shifts the reading frame from alanine 302.
Molecular consequence: frameshift variant.
Genome position: GRCh38 VCF-style: chr17-3615458-C-CTACTACTCCAGTA. GRCh37 (hg19) VCF-style: chr17-3518752-C-CTACTACTCCAGTA.
Other names: short protein forms A302fs.
Identifiers: ClinVar variation 1388531 (VCV001388531.6), dbSNP rs773939024, ClinGen allele CA8291182.

ClinVar aggregate classification (germline): Uncertain significance (1 of 4 stars; one submission).

Allele frequency attached by ClinVar (database versions not stated): gnomAD exomes 0.00001 and 0.00006; gnomAD 0.00002; ExAC 0.00005; TOPMed 0.00008.

Submission:

Labcorp Genetics (formerly Invitae), Labcorp
Classification: Uncertain significance. Last evaluated: 2025-08-04. Review status: criteria provided, single submitter. Criteria: Invitae Variant Classification Sherloc (09022015). Collection method: clinical testing. Allele origin: germline.
Comment: This sequence change creates a premature translational stop signal (p.Ala302Thrfs*49) in the SHPK gene. While this is not anticipated to result in nonsense mediated decay, it is expected to disrupt the last 177 amino acid(s) of the SHPK protein. This variant is present in population databases (rs773939024, gnomAD 0.03%). This variant has not been reported in the literature in individuals affected with SHPK-related conditions. ClinVar contains an entry for this variant (Variation ID: 1388531). Experimental studies and prediction algorithms are not available or were not evaluated, and the functional significance of this variant is currently unknown. In summary, the available evidence is currently insufficient to determine the role of this variant in disease. Therefore, it has been classified as a Variant of Uncertain Significance.